The following is an entry in ClinVar:

NM_014363.6(SACS):c.1662C>T (p.Ser554=)

Gene: SACS (sacsin molecular chaperone; minus strand). Cytogenetic location: 13q12.12.
Variant type: single nucleotide variant.
Coding change: c.1662C>T on transcript NM_014363.6 (MANE Select); coding-DNA position 1662, C replaced by T.
Protein change: p.Ser554=; no amino-acid change (serine 554 retained).
Molecular consequence: synonymous variant.
Genome position (GRCh38, 1-based): chr13:23,354,950, G>A on the plus strand (C>T on the coding strand, the complement: SACS is on the minus strand). VCF-style: chr13-23354950-G-A. GRCh37 (hg19) VCF-style: chr13-23929089-G-A.
Other names: c.1221C>T, p.Ser407= (NM_001278055.2); c.1662C>T (NM_014363.5).
Identifiers: ClinVar variation 586423 (VCV000586423.8), dbSNP rs185812845, ClinGen allele CA6911870.

ClinVar aggregate classification (germline): Likely benign. Review status: criteria provided, multiple submitters, no conflicts (2 of 4 stars). 3 submissions from 3 submitters: Likely benign (3). Last evaluated 2026-04-24.

Conditions:
SACS-related disorder. Also called: SACS-related condition.
Spastic paraplegia. Identifiers: MedGen C0037772, HP:0001258.

Allele frequency attached by ClinVar (database versions not stated): TOPMed 0.00003; 1000 Genomes Project 30x 0.00016; 1000 Genomes Project 0.00020.
gnomAD v4.1: 34 of 1,614,188 alleles (0.0021%); highest among the groups gnomAD compares: East Asian, 0.02%; no homozygotes.

Submissions (3):

PreventionGenetics, part of Exact Sciences
Classification: Likely benign for SACS-related condition. Last evaluated: 2026-04-24. Review status: criteria provided, single submitter. Criteria: ACMG Guidelines, 2015. Collection method: clinical testing. Allele origin: germline.
Comment: This variant is classified as likely benign based on ACMG/AMP sequence variant interpretation guidelines (Richards et al. 2015 PMID: 25741868, with internal and published modifications).

Labcorp Genetics (formerly Invitae), Labcorp
Classification: Likely benign for Spastic paraplegia. Last evaluated: 2024-02-19. Review status: criteria provided, single submitter. Criteria: Invitae Variant Classification Sherloc (09022015). Collection method: clinical testing. Allele origin: germline.

Athena Diagnostics
Classification: Likely benign. Last evaluated: 2018-07-19. Review status: criteria provided, single submitter. Criteria: Athena Diagnostics Criteria. Collection method: clinical testing. Allele origin: germline.